The following is an entry in ClinVar:

NM_001365951.3(KIF1B):c.5408G>T (p.Arg1803Leu)

Gene: KIF1B (kinesin family member 1B; plus strand). Cytogenetic location: 1p36.22.
Variant type: single nucleotide variant.
Coding change: c.5408G>T on transcript NM_001365951.3 (MANE Select); coding-DNA position 5408, G replaced by T.
Protein change: p.Arg1803Leu; replaces arginine 1803 with leucine.
Molecular consequence: missense variant.
Genome position (GRCh38, 1-based): chr1:10,375,373, G>T. VCF-style: chr1-10375373-G-T. GRCh37 (hg19) VCF-style: chr1-10435431-G-T.
Other names: c.5408G>T, p.Arg1803Leu (NM_001365952.1); c.5270G>T, p.Arg1757Leu (NM_015074.3); short protein forms R1757L, R1803L.
Identifiers: ClinVar variation 1746515 (VCV001746515.3), dbSNP rs1010276300, ClinGen allele CA338332056.

ClinVar aggregate classification (germline): Uncertain significance (1 of 4 stars; one submission).

gnomAD v4.1: 6 of 1,607,200 alleles (0.00037%); highest among the groups gnomAD compares: African/African-American, 0.0013%; no homozygotes.

Submission:

Ambry Genetics
Classification: Uncertain significance. Last evaluated: 2024-06-12. Review status: criteria provided, single submitter. Criteria: Ambry Variant Classification Scheme 2023. Collection method: clinical testing. Allele origin: germline.
Comment: The p.R1757L variant (also known as c.5270G>T), located in coding exon 45 of the KIF1B gene, results from a G to T substitution at nucleotide position 5270. The amino acid change results in arginine to leucine at codon 1757, an amino acid with dissimilar properties. However, this change occurs in the last base pair of coding exon 45, and may have some effect on normal mRNA splicing. This nucleotide position is highly conserved in available vertebrate species. In silico splice site analysis predicts that this alteration will not have any significant effect on splicing. This amino acid position is highly conserved in available vertebrate species. In addition, as a missense substitution this is predicted to be deleterious by in silico analysis. However, loss of function of KIF1B has not been clearly established as a mechanism of disease. Since supporting evidence is limited at this time, the clinical significance of this alteration remains unclear.